The following is an entry in ClinVar:

ClinVar aggregate classification (germline): Pathogenic/Likely pathogenic. Review status: criteria provided, multiple submitters, no conflicts (2 of 4 stars). 2 submissions from 2 submitters: Pathogenic (1); Likely pathogenic (1). Last evaluated 2025-04-22.

Conditions:
PKD1-Biallelic Autosomal Recessive Polycystic Kidney Disease.
Polycystic kidney disease, adult type (PKD1). Also called: Polycystic Kidney Disease 1, Autosomal Dominant; Polycystic kidney disease 1; Polycystic kidney disease 1, severe; POLYCYSTIC KIDNEY DISEASE 1 WITH OR WITHOUT POLYCYSTIC LIVER DISEASE; POLYCYSTIC KIDNEY DISEASE, ADULT, TYPE I; Polycystic Kidney, Autosomal Dominant. Identifiers: MedGen C3149841, MONDO:0008263, OMIM 173900.

Submissions (2):

Women's Health and Genetics/Laboratory Corporation of America, LabCorp
Classification: Pathogenic for PKD1-Biallelic Autosomal Recessive Polycystic Kidney Disease. Last evaluated: 2025-04-22. Review status: criteria provided, single submitter. Criteria: LabCorp Variant Classification Summary - May 2015. Collection method: clinical testing. Allele origin: germline.
Comment: Variant summary: PKD1 c.5707delinsGA (p.Gln1903GlufsX87) results in a premature termination codon, predicted to cause absence of the protein due to nonsense mediated decay, which is a commonly known mechanism for disease. The variant was absent in 270936 control chromosomes. To our knowledge, no occurrence of c.5707delinsGA in individuals affected with PKD1-Biallelic Autosomal Recessive Polycystic Kidney Disease and no experimental evidence demonstrating its impact on protein function have been reported. ClinVar contains an entry for this variant (Variation ID: 3579426). Based on the evidence outlined above, the variant was classified as pathogenic.

Fulgent Genetics
Classification: Likely pathogenic for Polycystic kidney disease, adult type. Last evaluated: 2024-02-26. Review status: criteria provided, single submitter. Criteria: ACMG Guidelines, 2015. Collection method: clinical testing. Allele origin: germline.

NM_001009944.3(PKD1):c.5707delinsGA (p.Gln1903fs)

Gene: PKD1 (polycystin 1, transient receptor potential channel interacting; minus strand). Cytogenetic location: 16p13.3.
Variant type: Indel.
Coding change: c.5707delinsGA on transcript NM_001009944.3 (MANE Select); coding-DNA position 5707, C replaced by GA.
Protein change: p.Gln1903fs; shifts the reading frame from glutamine 1903.
Molecular consequence: frameshift variant.
Genome position (GRCh38, 1-based): chr16:2,109,460, G replaced by TC on the plus strand (C replaced by GA on the coding strand, the reverse complement: PKD1 is on the minus strand). VCF-style: chr16-2109460-G-TC. GRCh37 (hg19) VCF-style: chr16-2159461-G-TC.
Other names: c.5707delinsGA, p.Gln1903fs (NM_000296.4); short protein forms Q1903fs.
Identifiers: ClinVar variation 3579426 (VCV003579426.3).
Genomic context (GRCh38, chr16:2,109,460, plus strand): 5'-CCTGCAGGCGGAAGGTGACAGCTGAGCCGGCAGCCAGCAGGATCTGAAAATGGACCAGCT[G>TC]CCCGGGCGCCACCACCTTGCTGCTGGCCCACAGCACCAGGCCCACGATGGGCTCCTCCGC-3'